The following is an entry in ClinVar:

ClinVar aggregate classification (germline): Benign/Likely benign. Review status: criteria provided, multiple submitters, no conflicts (2 of 4 stars). 3 submissions from 3 submitters: Benign (1); Likely benign (2). Last evaluated 2025-12-15.

Conditions:
Hereditary diffuse leukoencephalopathy with spheroids. Also called: LEUKOENCEPHALOPATHY, ADULT-ONSET, WITH AXONAL SPHEROIDS AND PIGMENTED GLIA. Identifiers: Orphanet 313808, MedGen C3711381, MONDO:0030796.

Allele frequency attached by ClinVar (database versions not stated): ESP Exome Variant Server 0.00015; 1000 Genomes Project 30x 0.00016; ExAC 0.00018; 1000 Genomes Project 0.00020; gnomAD exomes 0.00020; TOPMed 0.00020; gnomAD 0.00023.
gnomAD v4.1: 408 of 1,613,650 alleles (0.025%); highest among the groups gnomAD compares: African/African-American, 0.031%; 1 homozygote.

Submissions (3):

Labcorp Genetics (formerly Invitae), Labcorp
Classification: Likely benign. Last evaluated: 2025-12-15. Review status: criteria provided, single submitter. Criteria: Invitae Variant Classification Sherloc (09022015). Collection method: clinical testing. Allele origin: germline.

Blueprint Genetics
Classification: Likely benign. Last evaluated: 2024-11-20. Review status: criteria provided, single submitter. Criteria: ACMG Guidelines, 2015. Collection method: clinical testing. Allele origin: germline.

Illumina Laboratory Services, Illumina
Classification: Benign for Leukoencephalopathy, diffuse hereditary, with spheroids 1. Last evaluated: 2018-01-13. Review status: criteria provided, single submitter. Criteria: ICSL Variant Classification Criteria 13 December 2019. Collection method: clinical testing. Allele origin: germline.
Comment: This variant was observed in the ICSL laboratory as part of a predisposition screen in an ostensibly healthy population. It had not been previously curated by ICSL or reported in the Human Gene Mutation Database (HGMD: prior to June 1st, 2018), and was therefore a candidate for classification through an automated scoring system. Utilizing variant allele frequency, disease prevalence and penetrance estimates, and inheritance mode, an automated score was calculated to assess if this variant is too frequent to cause the disease. Based on the score and internal cut-off values, a variant classified as benign is not then subjected to further curation. The score for this variant resulted in a classification of benign for this disease.

NM_001288705.3(CSF1R):c.593-9C>T

Gene: CSF1R (colony stimulating factor 1 receptor; minus strand). Cytogenetic location: 5q32.
Variant type: single nucleotide variant.
Coding change: c.593-9C>T on transcript NM_001288705.3 (MANE Select); 9 bases into the intron before coding-DNA position 593, C replaced by T.
Molecular consequence: intron variant.
Genome position (GRCh38, 1-based): chr5:150,078,257, G>A on the plus strand (C>T on the coding strand, the complement: CSF1R is on the minus strand). VCF-style: chr5-150078257-G-A. GRCh37 (hg19) VCF-style: chr5-149457820-G-A.
Other names: c.149-9C>T (NM_001375321.1); c.593-9C>T (NM_005211.4, NM_001375320.1, NM_001349736.2).
Identifiers: ClinVar variation 352167 (VCV000352167.15), dbSNP rs191671408, ClinGen allele CA3507132.